The following is an entry in ClinVar:

ClinVar aggregate classification (germline): Pathogenic (1 of 4 stars; one submission).

Conditions:
Familial hypobetalipoproteinemia 1. Also called: APOB-Related Familial Hypobetalipoproteinemia; Hypobetalipoproteinemia, normotriglyceridemic; Acanthocytosis with hypobetalipoproteinemia. Identifiers: MedGen C4551990, MONDO:0014252, OMIM 615558.
Hypercholesterolemia, autosomal dominant, type B (FHCL2). Also called: Familial Hypercholesterolemia Type B; APOLIPOPROTEIN B-100, FAMILIAL DEFECTIVE; APOLIPOPROTEIN B-100, FAMILIAL LIGAND-DEFECTIVE; HYPERCHOLESTEROLEMIA, FAMILIAL, DUE TO LIGAND-DEFECTIVE APOLIPOPROTEIN B; Hyperlipoproteinemia Type IIb; Familial hypercholesterolemia 2. Identifiers: MedGen C1704417, MONDO:0007751, OMIM 144010.

gnomAD v4.1: 7 of 1,613,928 alleles (0.00043%); highest among the groups gnomAD compares: African/African-American, 0.0093%; no homozygotes.

Submission:

Labcorp Genetics (formerly Invitae), Labcorp
Classification: Pathogenic for Familial hypobetalipoproteinemia 1; Hypercholesterolemia, autosomal dominant, type B. Last evaluated: 2024-07-08. Review status: criteria provided, single submitter. Criteria: Invitae Variant Classification Sherloc (09022015). Collection method: clinical testing. Allele origin: germline.
Comment: This sequence change creates a premature translational stop signal (p.Cys3761*) in the APOB gene. It is expected to result in an absent or disrupted protein product. Loss-of-function variants in APOB are known to be pathogenic (PMID: 20032471). This variant is present in population databases (rs757204163, gnomAD 0.02%). This premature translational stop signal has been observed in individual(s) with hypobetalipoproteinemia (PMID: 8468533). This variant is also known as ApoB-82. For these reasons, this variant has been classified as Pathogenic.

Literature cited by the submitters: PubMed 20032471; PubMed 8468533.

NM_000384.3(APOB):c.11283C>A (p.Cys3761Ter)

Gene: APOB (apolipoprotein B; minus strand). Cytogenetic location: 2p24.1.
Variant type: single nucleotide variant.
Coding change: c.11283C>A on transcript NM_000384.3 (MANE Select); coding-DNA position 11283, C replaced by A.
Protein change: p.Cys3761Ter; replaces cysteine 3761 with a stop codon.
Molecular consequence: nonsense.
Genome position (GRCh38, 1-based): chr2:21,005,585, G>T on the plus strand (C>A on the coding strand, the complement: APOB is on the minus strand). VCF-style: chr2-21005585-G-T. GRCh37 (hg19) VCF-style: chr2-21228457-G-T.
Other names: short protein forms C3761*.
Identifiers: ClinVar variation 3758585 (VCV003758585.2).
Genomic context (GRCh38, chr2:21,005,585, plus strand): 5'-GAGGGCAAATGATGAAGTTCTCAGCTTCTTATAGATTTGTATTTCTCTGAAGTCAAGTTT[G>T]CACGATGGAACCTGAAGATCTGTAAATGGGACATGGAACGTAGGCATGACAAGAACTGAA-3'